The following is an entry in ClinVar:

ClinVar aggregate classification (germline): Uncertain significance (1 of 4 stars; one submission).

Conditions:
Ataxia-telangiectasia syndrome (AT). Also called: Ataxia-telangiectasia, complementation group D; AT, COMPLEMENTATION GROUP C; Ataxia-telangiectasia; Ataxia telangiectasia (A-T); LOUIS-BAR SYNDROME; Cerebello-oculocutaneous telangiectasia. Identifiers: Orphanet 100, MedGen C0004135, MONDO:0008840, OMIM 208900.

Submission:

Labcorp Genetics (formerly Invitae), Labcorp
Classification: Uncertain significance for Ataxia-telangiectasia syndrome. Last evaluated: 2025-06-11. Review status: criteria provided, single submitter. Criteria: Invitae Variant Classification Sherloc (09022015). Collection method: clinical testing. Allele origin: germline.
Comment: This sequence change replaces proline, which is neutral and non-polar, with histidine, which is basic and polar, at codon 1379 of the ATM protein (p.Pro1379His). This variant is not present in population databases (gnomAD no frequency). This variant has not been reported in the literature in individuals affected with ATM-related conditions. Invitae Evidence Modeling of protein sequence and biophysical properties (such as structural, functional, and spatial information, amino acid conservation, physicochemical variation, residue mobility, and thermodynamic stability) has been performed for this missense variant. However, the output from this modeling did not meet the statistical confidence thresholds required to predict the impact of this variant on ATM protein function. In summary, the available evidence is currently insufficient to determine the role of this variant in disease. Therefore, it has been classified as a Variant of Uncertain Significance.

NM_000051.4(ATM):c.4136C>A (p.Pro1379His)

Gene: ATM (ATM serine/threonine kinase; plus strand). Cytogenetic location: 11q22.3.
Variant type: single nucleotide variant.
Coding change: c.4136C>A on transcript NM_000051.4 (MANE Select); coding-DNA position 4136, C replaced by A.
Protein change: p.Pro1379His; replaces proline 1379 with histidine.
Molecular consequence: missense variant.
Genome position (GRCh38, 1-based): chr11:108,289,003, C>A. VCF-style: chr11-108289003-C-A. GRCh37 (hg19) VCF-style: chr11-108159730-C-A.
Other names: c.4136C>A, p.Pro1379His (NM_001351834.2); short protein forms P1379H.
Identifiers: ClinVar variation 4747211 (VCV004747211.1).